The following is an entry in ClinVar:

NM_004260.4(RECQL4):c.3046C>T (p.Pro1016Ser)

Gene: RECQL4 (RecQ like helicase 4; minus strand). Cytogenetic location: 8q24.3.
Variant type: single nucleotide variant.
Coding change: c.3046C>T on transcript NM_004260.4 (MANE Select); coding-DNA position 3046, C replaced by T.
Protein change: p.Pro1016Ser; replaces proline 1016 with serine.
Molecular consequence: missense variant.
Genome position (GRCh38, 1-based): chr8:144,512,401, G>A on the plus strand (C>T on the coding strand, the complement: RECQL4 is on the minus strand). VCF-style: chr8-144512401-G-A. GRCh37 (hg19) VCF-style: chr8-145737784-G-A.
Other names: short protein forms P1016S.
Identifiers: ClinVar variation 566204 (VCV000566204.5), dbSNP rs1158975362, ClinGen allele CA372671108.

ClinVar aggregate classification (germline): Uncertain significance (1 of 4 stars; one submission).

Conditions:
Baller-Gerold syndrome (BGS). Also called: CRANIOSYNOSTOSIS WITH RADIAL DEFECTS. Identifiers: Orphanet 1225, MedGen C0265308, MONDO:0009039, OMIM 218600.

Allele frequency attached by ClinVar (database versions not stated): gnomAD exomes below 0.00001.
gnomAD v4.1: 2 of 1,607,366 alleles (0.00012%); highest among the groups gnomAD compares: Non-Finnish European, 0.00017%; no homozygotes.

Submission:

Labcorp Genetics (formerly Invitae), Labcorp
Classification: Uncertain significance for Baller-Gerold syndrome. Last evaluated: 2025-05-05. Review status: criteria provided, single submitter. Criteria: Invitae Variant Classification Sherloc (09022015). Collection method: clinical testing. Allele origin: germline.
Comment: This sequence change replaces proline, which is neutral and non-polar, with serine, which is neutral and polar, at codon 1016 of the RECQL4 protein (p.Pro1016Ser). This variant is not present in population databases (gnomAD no frequency). This variant has not been reported in the literature in individuals affected with RECQL4-related conditions. ClinVar contains an entry for this variant (Variation ID: 566204). An algorithm developed to predict the effect of missense changes on protein structure and function outputs the following: PolyPhen-2: "Not Available". The serine amino acid residue is found in multiple mammalian species, which suggests that this missense change does not adversely affect protein function. In summary, the available evidence is currently insufficient to determine the role of this variant in disease. Therefore, it has been classified as a Variant of Uncertain Significance.